The following is an entry in ClinVar:

ClinVar aggregate classification (germline): Pathogenic (1 of 4 stars; one submission).

Conditions:
Duchenne muscular dystrophy (DMD). Also called: MUSCULAR DYSTROPHY, PSEUDOHYPERTROPHIC PROGRESSIVE, DUCHENNE TYPE; Duchenne Muscular Dystrophy (DMD). Identifiers: Orphanet 98896, MedGen C0013264, MONDO:0010679, OMIM 310200.

Submission:

Labcorp Genetics (formerly Invitae), Labcorp
Classification: Pathogenic for Duchenne muscular dystrophy. Last evaluated: 2023-11-17. Review status: criteria provided, single submitter. Criteria: Invitae Variant Classification Sherloc (09022015). Collection method: clinical testing. Allele origin: germline.
Comment: This variant results in a copy number gain of the genomic region encompassing exon(s) 45-51 of the DMD gene. While the exact position of this variant cannot be determined from the data, sub-genic copy number gains are generally in tandem (PMID: 25640679). This variant is predicted to be in-frame, and likely preserves the integrity of the reading frame. A similar copy number variant has been observed in individuals with clinical features of DMD-related conditions (PMID: 2316519, 15643612, 25482253, 31705731). For these reasons, this variant has been classified as Pathogenic.

Literature cited by the submitters: PubMed 25640679; PubMed 2316519; PubMed 15643612; PubMed 25482253; PubMed 31705731.

NC_000023.10:g.(?_31792057)_(31986651_?)dup

Gene: DMD (dystrophin; minus strand). Cytogenetic location: Xp21.1.
Variant type: Duplication.
Identifiers: ClinVar variation 1415572 (VCV001415572.2).